The following is an entry in ClinVar:

ClinVar aggregate classification (germline): Uncertain significance. Review status: criteria provided, multiple submitters, no conflicts (2 of 4 stars). 2 submissions from 2 submitters: Uncertain significance (2). Last evaluated 2026-01-07.

Conditions:
Hereditary nonpolyposis colorectal neoplasms. Identifiers: MedGen C0009405, MeSH D003123.

Allele frequency attached by ClinVar (database versions not stated): TOPMed below 0.00001; gnomAD 0.00001.
gnomAD v4.1: 1 of 1,592,106 alleles (0.000063%); highest among the groups gnomAD compares: Non-Finnish European, 0.000085%; no homozygotes.

Submissions (2):

Labcorp Genetics (formerly Invitae), Labcorp
Classification: Uncertain significance for Hereditary nonpolyposis colorectal neoplasms. Last evaluated: 2026-01-07. Review status: criteria provided, single submitter. Criteria: Invitae Variant Classification Sherloc (09022015). Collection method: clinical testing. Allele origin: germline.
Comment: This sequence change replaces glutamic acid, which is acidic and polar, with alanine, which is neutral and non-polar, at codon 667 of the PMS2 protein (p.Glu667Ala). This variant is not present in population databases (gnomAD no frequency). This variant has not been reported in the literature in individuals affected with PMS2-related conditions. ClinVar contains an entry for this variant (Variation ID: 928803). Invitae Evidence Modeling incorporating data from in vitro experimental studies (internal data) indicates that this missense variant is not expected to disrupt PMS2 function with a negative predictive value of 95%. In summary, the available evidence is currently insufficient to determine the role of this variant in disease. Therefore, it has been classified as a Variant of Uncertain Significance.

Women's Health and Genetics/Laboratory Corporation of America, LabCorp
Classification: Uncertain significance. Last evaluated: 2019-11-11. Review status: criteria provided, single submitter. Criteria: LabCorp Variant Classification Summary - May 2015. Collection method: clinical testing. Allele origin: germline.
Comment: Variant summary: PMS2 c.2000A>C (p.Glu667Ala) results in a non-conservative amino acid change in the encoded protein sequence. Three of five in-silico tools predict a damaging effect of the variant on protein function. The variant was absent in 238424 control chromosomes (gnomAD). The available data on variant occurrences in the general population are insufficient to allow any conclusion about variant significance. To our knowledge, no occurrence of c.2000A>C in individuals affected with Lynch Syndrome and no experimental evidence demonstrating its impact on protein function have been reported. No clinical diagnostic laboratories have submitted clinical-significance assessments for this variant to ClinVar after 2014. Based on the evidence outlined above, the variant was classified as uncertain significance.

NM_000535.7(PMS2):c.2000A>C (p.Glu667Ala)

Gene: PMS2 (PMS1 homolog 2, mismatch repair system component; minus strand). Cytogenetic location: 7p22.1.
Variant type: single nucleotide variant.
Coding change: c.2000A>C on transcript NM_000535.7 (MANE Select); coding-DNA position 2000, A replaced by C.
Protein change: p.Glu667Ala; replaces glutamic acid 667 with alanine.
Molecular consequence: missense variant. On other transcripts: non-coding transcript variant (1).
Genome position (GRCh38, 1-based): chr7:5,986,765, T>G on the plus strand (A>C on the coding strand, the complement: PMS2 is on the minus strand). VCF-style: chr7-5986765-T-G. GRCh37 (hg19) VCF-style: chr7-6026396-T-G.
Other names: c.1682A>C, p.Glu561Ala (NM_001322008.2, NM_001322007.2); c.1595A>C, p.Glu532Ala (NM_001322009.2, NM_001322003.2, NM_001322004.2 and 1 more transcripts); c.1439A>C, p.Glu480Ala (NM_001322010.2); c.1067A>C, p.Glu356Ala (NM_001322011.2, NM_001322012.2); c.1427A>C, p.Glu476Ala (NM_001322013.2); c.2000A>C, p.Glu667Ala (NM_001322014.2); c.1691A>C, p.Glu564Ala (NM_001322015.2); c.1844A>C, p.Glu615Ala (NM_001322006.2); short protein forms E356A, E476A, E480A, E532A, E561A, E564A, E615A, E667A.
Identifiers: ClinVar variation 928803 (VCV000928803.5), dbSNP rs1404270894, ClinGen allele CA366738875.
Genomic context (GRCh38, chr7:5,986,765, plus strand): 5'-ATAAAAATAAAAATTTTAGATAAAAAGAGAAAAAGTAAAAAATTAAAACTTTACCTTATC[T>G]CTTTTCTTAGTTCATCTTCGGCTGCTTGATTTTCTCCAGGACAAATCTTTGCCCTAAACT-3'
Protein context (NP_000526.2, residues 657-677): NQAAEDELRK[Glu667Ala]ISKTMFAEME